The following is an entry in ClinVar:

NM_002907.4(RECQL):c.1087_1088insCAGCTTTGAAGAGAGCAGTGGTTCTCCCAGCACGCAGCTGGAGATCTGAGAACGGGCAGACTGCCTCCTCAAGTGGGTCCCTGACCCCTGACCCCCGAGCAGANNNNNNNNNNAAAAAAAAAAAAAAAAAAAAGAAAATGGTCAGCCA (p.Asn363fs)

Gene: RECQL (RecQ like helicase; minus strand). Cytogenetic location: 12p12.1.
Variant type: Insertion.
Coding change: c.1087_1088insCAGCTTTGAAGAGAGCAGTGGTTCTCCCAGCACGCAGCTGGAGATCTGAGAACGGGCAGACTGCCTCCTCAAGTGGGTCCCTGACCCCTGACCCCCGAGCAGANNNNNNNNNNAAAAAAAAAAAAAAAAAAAAGAAAATGGTCAGCCA on transcript NM_002907.4 (MANE Select); coding-DNA positions 1087 to 1088, CAGCTTTGAAGAGAGCAGTGGTTCTCCCAGCACGCAGCTGGAGATCTGAGAACGGGCAGACTGCCTCCTCAAGTGGGTCCCTGACCCCTGACCCCCGAGCAGANNNNNNNNNNAAAAAAAAAAAAAAAAAAAAGAAAATGGTCAGCCA inserted.
Protein change: p.Asn363fs; shifts the reading frame from asparagine 363.
Molecular consequence: frameshift variant.
Genome position: GRCh38: chr12:21,475,702-21,475,703. GRCh37 (hg19): chr12:21,628,636-21,628,637.
Other names: c.1087_1088insCAGCTTTGAAGAGAGCAGTGGTTCTCCCAGCACGCAGCTGGAGATCTGAGAACGGGCAGACTGCCTCCTCAAGTGGGTCCCTGACCCCTGACCCCCGAGCAGANNNNNNNNNNAAAAAAAAAAAAAAAAAAAAGAAAATGGTCAGCCA, p.Asn363fs (NM_032941.3); short protein forms N363fs.
Identifiers: ClinVar variation 1481353 (VCV001481353.6), dbSNP rs2137339385.

ClinVar aggregate classification (germline): Uncertain significance (1 of 4 stars; one submission).

Submission:

Labcorp Genetics (formerly Invitae), Labcorp
Classification: Uncertain significance. Last evaluated: 2022-10-04. Review status: criteria provided, single submitter. Criteria: Invitae Variant Classification Sherloc (09022015). Collection method: clinical testing. Allele origin: germline.
Comment: This variant has not been reported in the literature in individuals affected with RECQL-related conditions. This variant is not present in population databases (gnomAD no frequency). This sequence change inserts a large fragment of DNA, likely a transposable element, in exon 9 of the RECQL gene (c.1087_1088ins?), causing a frameshift at codon 363 (p.Asn363fs). The exact size and sequence of the insertion cannot be determined by the current assay. However, the insertion is expected to result in an absent or disrupted protein product. ClinVar contains an entry for this variant (Variation ID: 1481353). In summary, the available evidence is currently insufficient to determine the role of this variant in disease. Therefore, it has been classified as a Variant of Uncertain Significance. Retrotransposon insertions including LINE1 (L1), Alu, and SVA (SINE-VNTR-Alu) have been reported to disrupt protein function (PMID: 19763152, 20307669, 22406018). However the effect of this particular variant is unknown. Algorithms developed to predict the effect of sequence changes on RNA splicing suggest that this variant may disrupt the consensus splice site.

Literature cited by the submitters: PubMed 19763152; PubMed 20307669; PubMed 22406018.